The following is an entry in ClinVar:

ClinVar aggregate classification (germline): Uncertain significance. Review status: criteria provided, multiple submitters, no conflicts (2 of 4 stars). 3 submissions from 3 submitters: Uncertain significance (3). Last evaluated 2024-06-21.

Conditions:
Fanconi anemia complementation group D2. Also called: FANCD2-Related Fanconi Anemia; FANCONI PANCYTOPENIA, TYPE 4; FANCONI ANEMIA, COMPLEMENTATION GROUP D. Identifiers: Orphanet 84, MedGen C3160738, MONDO:0009214, OMIM 227646.
Fanconi anemia (FA). Also called: Fanconi's anemia. Identifiers: Orphanet 84, MedGen C0015625, MeSH D005199, MONDO:0019391.

Allele frequency attached by ClinVar (database versions not stated): gnomAD exomes 0.00001; ExAC 0.00001; TOPMed 0.00001.
gnomAD v4.1: 9 of 1,614,134 alleles (0.00056%); highest among the groups gnomAD compares: Non-Finnish European, 0.00076%; no homozygotes.

Submissions (3):

GeneDx
Classification: Uncertain significance. Last evaluated: 2024-06-21. Review status: criteria provided, single submitter. Criteria: GeneDx Variant Classification Process June 2021. Collection method: clinical testing. Allele origin: germline. Affected: yes.
Comment: Not observed at significant frequency in large population cohorts (gnomAD); In silico analysis supports that this missense variant has a deleterious effect on protein structure/function; Has not been previously published as pathogenic or benign to our knowledge

Fulgent Genetics
Classification: Uncertain significance for Fanconi anemia complementation group D2. Last evaluated: 2024-04-12. Review status: criteria provided, single submitter. Criteria: ACMG Guidelines, 2015. Collection method: clinical testing. Allele origin: germline.

Labcorp Genetics (formerly Invitae), Labcorp
Classification: Uncertain significance for Fanconi anemia. Last evaluated: 2024-03-12. Review status: criteria provided, single submitter. Criteria: Invitae Variant Classification Sherloc (09022015). Collection method: clinical testing. Allele origin: germline.
Comment: This sequence change replaces cysteine, which is neutral and slightly polar, with arginine, which is basic and polar, at codon 1380 of the FANCD2 protein (p.Cys1380Arg). This variant is present in population databases (rs755572622, gnomAD 0.0009%). This variant has not been reported in the literature in individuals affected with FANCD2-related conditions. Advanced modeling of protein sequence and biophysical properties (such as structural, functional, and spatial information, amino acid conservation, physicochemical variation, residue mobility, and thermodynamic stability) performed at Invitae indicates that this missense variant is expected to disrupt FANCD2 protein function with a positive predictive value of 80%. In summary, the available evidence is currently insufficient to determine the role of this variant in disease. Therefore, it has been classified as a Variant of Uncertain Significance.

NM_001018115.3(FANCD2):c.4138T>C (p.Cys1380Arg)

Genes: FANCD2 (FA complementation group D2; plus strand), FANCD2OS (FANCD2 opposite strand; minus strand). Cytogenetic location: 3p25.3.
Variant type: single nucleotide variant.
Coding change: c.4138T>C on transcript NM_001018115.3 (MANE Select); coding-DNA position 4138, T replaced by C.
Protein change: p.Cys1380Arg; replaces cysteine 1380 with arginine.
Molecular consequence: missense variant. On other transcripts: intron variant (1).
Genome position (GRCh38, 1-based): chr3:10,096,425, T>C. VCF-style: chr3-10096425-T-C. GRCh37 (hg19) VCF-style: chr3-10138109-T-C.
Other names: c.4138T>C, p.Cys1380Arg (NM_001319984.2, NM_033084.6); c.4027T>C, p.Cys1343Arg (NM_001374253.1); c.4099T>C, p.Cys1367Arg (NM_001374254.1); c.*43+7773A>G (NM_173472.2); short protein forms C1367R, C1380R, C1343R.
Identifiers: ClinVar variation 2732543 (VCV002732543.4), dbSNP rs755572622, ClinGen allele CA2250631.